The following is an entry in ClinVar:

ClinVar aggregate classification (germline): Benign (1 of 4 stars; one submission).

Allele frequency attached by ClinVar (database versions not stated): 1000 Genomes Project 30x 0.63960; 1000 Genomes Project 0.64337; TOPMed 0.69394; gnomAD 0.71249 and 0.71286.
gnomAD v4.1: 108,273 of 151,862 alleles (71%); highest among the groups gnomAD compares: Non-Finnish European, 81%; 39,681 homozygotes.

Submission:

GeneDx
Classification: Benign. Last evaluated: 2018-06-14. Review status: criteria provided, single submitter. Criteria: GeneDx Variant Classification (06012015). Collection method: clinical testing. Allele origin: germline. Affected: yes.
Comment: This variant is considered likely benign or benign based on one or more of the following criteria: it is a conservative change, it occurs at a poorly conserved position in the protein, it is predicted to be benign by multiple in silico algorithms, and/or has population frequency not consistent with disease.

NM_000393.5(COL5A2):c.4114-212G>A

Gene: COL5A2 (collagen type V alpha 2 chain; minus strand). Cytogenetic location: 2q32.2.
Variant type: single nucleotide variant.
Coding change: c.4114-212G>A on transcript NM_000393.5 (MANE Select); 212 bases into the intron before coding-DNA position 4114, G replaced by A.
Molecular consequence: intron variant.
Genome position (GRCh38, 1-based): chr2:189,035,367, C>T on the plus strand (G>A on the coding strand, the complement: COL5A2 is on the minus strand). VCF-style: chr2-189035367-C-T. GRCh37 (hg19) VCF-style: chr2-189900093-C-T.
Identifiers: ClinVar variation 672287 (VCV000672287.1), dbSNP rs4667259, ClinGen allele CA11040374.
Genomic context (GRCh38, chr2:189,035,367, plus strand): 5'-TACATCTAAACATATCTTAAAATGTCTATGAATACTCAAAAGAACCTCTGTCCTTATTAA[C>T]CCAAAGGGTAATGAAACCAATAATAACAATAATTCACGAGAACAAGCATAAGTATTTTTA-3'